The following is an entry in ClinVar:

ClinVar aggregate classification (germline): Likely benign. Review status: criteria provided, multiple submitters, no conflicts (2 of 4 stars). 3 submissions from 3 submitters: Likely benign (3). Last evaluated 2023-06-24.

Conditions:
Malignant hyperthermia, susceptibility to, 5 (MHS5). Also called: CACNA1S-Related Malignant Hyperthermia Susceptibility. Identifiers: Orphanet 423, MedGen C1866077, MONDO:0011163, OMIM 601887.
Hypokalemic periodic paralysis, type 1. Also called: HypoPP; Hypokalemic Periodic Paralysis Type 1 (AD). Identifiers: Orphanet 681, MedGen C3714580, MONDO:0042979, OMIM 170400.

gnomAD v4.1: 1 of 1,614,118 alleles (0.000062%); no homozygotes.

Submissions (3):

Labcorp Genetics (formerly Invitae), Labcorp
Classification: Likely benign for Hypokalemic periodic paralysis, type 1; Malignant hyperthermia, susceptibility to, 5. Last evaluated: 2023-06-24. Review status: criteria provided, single submitter. Criteria: Invitae Variant Classification Sherloc (09022015). Collection method: clinical testing. Allele origin: germline.

All of Us Research Program, National Institutes of Health
Classification: Likely benign for Malignant hyperthermia, susceptibility to, 5. Last evaluated: 2022-12-27. Review status: criteria provided, single submitter. Criteria: ACMG Guidelines, 2015. Collection method: clinical testing. Allele origin: germline. Inheritance: Autosomal dominant inheritance. Observed: 1 variant allele, 1 heterozygote.
Comment: This study involves interpretation of variants in research participants for the purpose of population health screening. Participant phenotype was not available at the time of variant classification. Additional details can be found in publication PMID: 35346344, PMCID: PMC8962531

Color Diagnostics, LLC DBA Color Health
Classification: Likely benign for Malignant hyperthermia, susceptibility to, 5. Last evaluated: 2022-11-08. Review status: criteria provided, single submitter. Criteria: ACMG Guidelines, 2015. Collection method: clinical testing. Allele origin: germline.

NM_000069.3(CACNA1S):c.3796-10C>G

Gene: CACNA1S (calcium voltage-gated channel subunit alpha1 S; minus strand). Cytogenetic location: 1q32.1.
Variant type: single nucleotide variant.
Coding change: c.3796-10C>G on transcript NM_000069.3 (MANE Select); 10 bases into the intron before coding-DNA position 3796, C replaced by G.
Molecular consequence: intron variant.
Genome position (GRCh38, 1-based): chr1:201,053,284, G>C on the plus strand (C>G on the coding strand, the complement: CACNA1S is on the minus strand). VCF-style: chr1-201053284-G-C. GRCh37 (hg19) VCF-style: chr1-201022412-G-C.
Identifiers: ClinVar variation 2938019 (VCV002938019.5), dbSNP rs199678161, ClinGen allele CA2649761783.